The following is an entry in ClinVar:

ClinVar aggregate classification (germline): Uncertain significance (1 of 4 stars; one submission).

Allele frequency attached by ClinVar (database versions not stated): gnomAD 0.00003; TOPMed 0.00003.
gnomAD v4.1: 21 of 1,613,934 alleles (0.0013%); highest among the groups gnomAD compares: Non-Finnish European, 0.0017%; no homozygotes.

Submission:

Labcorp Genetics (formerly Invitae), Labcorp
Classification: Uncertain significance. Last evaluated: 2022-06-23. Review status: criteria provided, single submitter. Criteria: Invitae Variant Classification Sherloc (09022015). Collection method: clinical testing. Allele origin: germline.
Comment: This sequence change replaces glycine, which is neutral and non-polar, with alanine, which is neutral and non-polar, at codon 24 of the MAP3K20 protein (p.Gly24Ala). This variant is present in population databases (rs201411802, gnomAD 0.003%). This variant has not been reported in the literature in individuals affected with MAP3K20-related conditions. Experimental studies and prediction algorithms are not available or were not evaluated, and the functional significance of this variant is currently unknown. In summary, the available evidence is currently insufficient to determine the role of this variant in disease. Therefore, it has been classified as a Variant of Uncertain Significance.

NM_016653.3(MAP3K20):c.71G>C (p.Gly24Ala)

Gene: MAP3K20 (mitogen-activated protein kinase kinase kinase 20; plus strand). Cytogenetic location: 2q31.1.
Variant type: single nucleotide variant.
Coding change: c.71G>C on transcript NM_016653.3 (MANE Select); coding-DNA position 71, G replaced by C.
Protein change: p.Gly24Ala; replaces glycine 24 with alanine.
Molecular consequence: missense variant.
Genome position (GRCh38, 1-based): chr2:173,091,102, G>C. VCF-style: chr2-173091102-G-C. GRCh37 (hg19) VCF-style: chr2-173955830-G-C.
Other names: c.71G>C, p.Gly24Ala (NM_133646.3); short protein forms G24A.
Identifiers: ClinVar variation 2049162 (VCV002049162.1), dbSNP rs201411802, ClinGen allele CA1970296.
Genomic context (GRCh38, chr2:173,091,102, plus strand): 5'-TCGGTGCCTCCTTTGTGCAAATTAAATTTGATGACTTGCAGTTTTTTGAAAACTGCGGTG[G>C]AGGAAGTTTTGGGAGTGTTTATCGAGCCAAATGGATATCACAGGACAAGGAGGTGGCTGT-3'
Protein context (NP_057737.2, residues 14-34): DDLQFFENCG[Gly24Ala]GSFGSVYRAK